The following is an entry in ClinVar:

ClinVar aggregate classification (germline): Uncertain significance. Review status: criteria provided, multiple submitters, no conflicts (2 of 4 stars). 2 submissions from 2 submitters: Uncertain significance (2). Last evaluated 2026-07-07.

Conditions:
Hereditary cancer-predisposing syndrome. Also called: Tumor predisposition; Hereditary neoplastic syndrome; Neoplastic Syndromes, Hereditary; Hereditary Cancer Syndrome. Identifiers: Orphanet 140162, MedGen C0027672, MeSH D009386, MONDO:0015356.
Birt-Hogg-Dube syndrome. Also called: Birt Hogg Dubé syndrome. Identifiers: Orphanet 122, MedGen C0346010, MONDO:0800444.

Submissions (2):

Ambry Genetics
Classification: Uncertain significance for Hereditary cancer-predisposing syndrome. Last evaluated: 2026-07-07. Review status: criteria provided, single submitter. Criteria: Ambry Variant Classification Scheme 2023. Collection method: clinical testing. Allele origin: germline.
Comment: The p.H98Y variant (also known as c.292C>T), located in coding exon 2 of the FLCN gene, results from a C to T substitution at nucleotide position 292. The histidine at codon 98 is replaced by tyrosine, an amino acid with similar properties. This amino acid position is conserved. In addition, the in silico prediction for this alteration is inconclusive. Based on the available evidence, the clinical significance of this variant remains unclear.

Labcorp Genetics (formerly Invitae), Labcorp
Classification: Uncertain significance for Birt-Hogg-Dube syndrome. Last evaluated: 2024-01-28. Review status: criteria provided, single submitter. Criteria: Invitae Variant Classification Sherloc (09022015). Collection method: clinical testing. Allele origin: germline.
Comment: This sequence change replaces histidine, which is basic and polar, with tyrosine, which is neutral and polar, at codon 98 of the FLCN protein (p.His98Tyr). This variant is not present in population databases (gnomAD no frequency). This variant has not been reported in the literature in individuals affected with FLCN-related conditions. ClinVar contains an entry for this variant (Variation ID: 839480). Advanced modeling of protein sequence and biophysical properties (such as structural, functional, and spatial information, amino acid conservation, physicochemical variation, residue mobility, and thermodynamic stability) performed at Invitae indicates that this missense variant is not expected to disrupt FLCN protein function with a negative predictive value of 80%. In summary, the available evidence is currently insufficient to determine the role of this variant in disease. Therefore, it has been classified as a Variant of Uncertain Significance.

NM_144997.7(FLCN):c.292C>T (p.His98Tyr)

Gene: FLCN (folliculin; minus strand). Cytogenetic location: 17p11.2.
Variant type: single nucleotide variant.
Coding change: c.292C>T on transcript NM_144997.7 (MANE Select); coding-DNA position 292, C replaced by T.
Protein change: p.His98Tyr; replaces histidine 98 with tyrosine.
Molecular consequence: missense variant.
Genome position (GRCh38, 1-based): chr17:17,226,280, G>A on the plus strand (C>T on the coding strand, the complement: FLCN is on the minus strand). VCF-style: chr17-17226280-G-A. GRCh37 (hg19) VCF-style: chr17-17129594-G-A.
Other names: c.292C>T, p.His98Tyr (NM_001353229.2, NM_001353230.2, NM_001353231.2 and 1 more transcripts); short protein forms H98Y.
Identifiers: ClinVar variation 839480 (VCV000839480.8), dbSNP rs1567822895, ClinGen allele CA398534911.